The following is an entry in ClinVar:

NM_000817.3(GAD1):c.548-2A>C

Gene: GAD1 (glutamate decarboxylase 1; plus strand). Cytogenetic location: 2q31.1.
Variant type: single nucleotide variant.
Coding change: c.548-2A>C on transcript NM_000817.3 (MANE Select); the canonical splice acceptor site of the intron before coding-DNA position 548, A replaced by C.
Molecular consequence: splice acceptor variant.
Genome position (GRCh38, 1-based): chr2:170,836,791, A>C. VCF-style: chr2-170836791-A-C. GRCh37 (hg19) VCF-style: chr2-171693301-A-C.
Other names: c.548-2A>C (NM_013445.4).
Identifiers: ClinVar variation 2129735 (VCV002129735.4), dbSNP rs2468338472, ClinGen allele CA349273527.

ClinVar aggregate classification (germline): Likely pathogenic (1 of 4 stars; one submission).

Conditions:
Neurodevelopmental disorder with progressive spasticity and brain white matter abnormalities. Also called: CEREBRAL PALSY, SPASTIC QUADRIPLEGIC, 1. Identifiers: Orphanet 210141, Orphanet 641353, MedGen C5436628, MONDO:0033613, OMIM 619026.

Submission:

Labcorp Genetics (formerly Invitae), Labcorp
Classification: Likely pathogenic for Neurodevelopmental disorder with progressive spasticity and brain white matter abnormalities. Last evaluated: 2022-10-24. Review status: criteria provided, single submitter. Criteria: Invitae Variant Classification Sherloc (09022015). Collection method: clinical testing. Allele origin: germline.
Comment: This variant has not been reported in the literature in individuals affected with GAD1-related conditions. In summary, the currently available evidence indicates that the variant is pathogenic, but additional data are needed to prove that conclusively. Therefore, this variant has been classified as Likely Pathogenic. Algorithms developed to predict the effect of sequence changes on RNA splicing suggest that this variant may disrupt the consensus splice site. This variant is not present in population databases (gnomAD no frequency). This sequence change affects an acceptor splice site in intron 5 of the GAD1 gene. It is expected to disrupt RNA splicing. Variants that disrupt the donor or acceptor splice site typically lead to a loss of protein function (PMID: 16199547), and loss-of-function variants in GAD1 are known to be pathogenic (PMID: 32282878, 32705143).

Literature cited by the submitters: PubMed 16199547; PubMed 32282878; PubMed 32705143.